The following is an entry in ClinVar:

NM_001003800.2(BICD2):c.198G>T (p.Val66=)

Gene: BICD2 (BICD cargo adaptor 2; minus strand). Cytogenetic location: 9q22.31.
Variant type: single nucleotide variant.
Coding change: c.198G>T on transcript NM_001003800.2 (MANE Select); coding-DNA position 198, G replaced by T.
Protein change: p.Val66=; no amino-acid change (valine 66 retained).
Molecular consequence: synonymous variant.
Genome position (GRCh38, 1-based): chr9:92,764,547, C>A on the plus strand (G>T on the coding strand, the complement: BICD2 is on the minus strand). VCF-style: chr9-92764547-C-A. GRCh37 (hg19) VCF-style: chr9-95526829-C-A.
Other names: c.198G>T, p.Val66= (NM_015250.4).
Identifiers: ClinVar variation 388919 (VCV000388919.5), dbSNP rs925398641, ClinGen allele CA16606573.
Genomic context (GRCh38, chr9:92,764,547, plus strand): 5'-CAGGGCGGCTCGGCTCACCTCCTTGAGCTGCTCCATCTCGCTGCGGATAGCCTCATAGTC[C>A]ACCTCGAGCTCCTCGAACTGCAGCTTGAGCTGGTGCTTCTCCTCGAGCACCGCCAGCCCG-3'
Protein context (NP_001003800.1, residues 56-76): QLKLQFEELE[Val66=]DYEAIRSEME

ClinVar aggregate classification (germline): Likely benign. Review status: criteria provided, multiple submitters, no conflicts (2 of 4 stars). 2 submissions from 2 submitters: Likely benign (2). Last evaluated 2025-11-04.

Conditions:
Autosomal dominant childhood-onset proximal spinal muscular atrophy with contractures (SMALED2A). Also called: SPINAL MUSCULAR ATROPHY, LOWER EXTREMITY-PREDOMINANT, 2A, CHILDHOOD ONSET, AUTOSOMAL DOMINANT; Spinal muscular atrophy, lower extremity-predominant, 2A, autosomal dominant. Identifiers: Orphanet 363447, Orphanet 363454, MedGen C4747715, MONDO:0014121, OMIM 615290.

gnomAD v4.1: 1 of 1,546,258 alleles (0.000065%); highest among the groups gnomAD compares: Admixed American, 0.002%; no homozygotes.

Submissions (2):

Labcorp Genetics (formerly Invitae), Labcorp
Classification: Likely benign for Autosomal dominant childhood-onset proximal spinal muscular atrophy with contractures. Last evaluated: 2025-11-04. Review status: criteria provided, single submitter. Criteria: Invitae Variant Classification Sherloc (09022015). Collection method: clinical testing. Allele origin: germline.

GeneDx
Classification: Likely benign. Last evaluated: 2016-09-01. Review status: criteria provided, single submitter. Criteria: GeneDx Variant Classification (06012015). Collection method: clinical testing. Allele origin: germline. Affected: yes.
Comment: This variant is considered likely benign or benign based on one or more of the following criteria: it is a conservative change, it occurs at a poorly conserved position in the protein, it is predicted to be benign by multiple in silico algorithms, and/or has population frequency not consistent with disease.